The following is an entry in ClinVar:

ClinVar aggregate classification (germline): Likely pathogenic (1 of 4 stars; one submission).

Conditions:
RYR1-related disorder. Also called: RYR1-related condition; RYR1-related disorders. Identifiers: MedGen CN239331.

Submission:

Labcorp Genetics (formerly Invitae), Labcorp
Classification: Likely pathogenic for RYR1-related disorder. Last evaluated: 2022-12-16. Review status: criteria provided, single submitter. Criteria: Invitae Variant Classification Sherloc (09022015). Collection method: clinical testing. Allele origin: germline.
Comment: In summary, the currently available evidence indicates that the variant is pathogenic, but additional data are needed to prove that conclusively. Therefore, this variant has been classified as Likely Pathogenic. This sequence change affects a donor splice site in intron 97 of the RYR1 gene. It is expected to disrupt RNA splicing. Variants that disrupt the donor or acceptor splice site typically lead to a loss of protein function (PMID: 16199547), and loss-of-function variants in RYR1 are known to be pathogenic (PMID: 20583297, 20839240, 23919265, 28818389). This variant is not present in population databases (gnomAD no frequency). This variant has not been reported in the literature in individuals affected with RYR1-related conditions. Algorithms developed to predict the effect of sequence changes on RNA splicing suggest that this variant may disrupt the consensus splice site.

Literature cited by the submitters: PubMed 16199547; PubMed 20583297; PubMed 20839240; PubMed 23919265; PubMed 28818389.

NM_000540.3(RYR1):c.14172+1G>A

Gene: RYR1 (ryanodine receptor 1; plus strand). Cytogenetic location: 19q13.2.
Variant type: single nucleotide variant.
Coding change: c.14172+1G>A on transcript NM_000540.3 (MANE Select); the canonical splice donor site of the intron after coding-DNA position 14172, G replaced by A.
Molecular consequence: splice donor variant.
Genome position (GRCh38, 1-based): chr19:38,575,962, G>A. VCF-style: chr19-38575962-G-A. GRCh37 (hg19) VCF-style: chr19-39066602-G-A.
Other names: c.14157+1G>A (NM_001042723.2).
Identifiers: ClinVar variation 2972458 (VCV002972458.3), dbSNP rs2514730089, ClinGen allele CA405683401.